The following continues an entry in ClinVar:

NM_002880.4(RAF1):c.1721A>G (p.Tyr574Cys)

Gene: RAF1. ClinVar aggregate classification (germline): Conflicting classifications of pathogenicity. Uncertain significance (8); Benign (2); Likely benign (5).

Submissions 11 to 16 of 16:

GeneDx
Classification: Benign. Last evaluated: 2019-01-23. Review status: criteria provided, single submitter. Criteria: GeneDx Variant Classification Process June 2021. Collection method: clinical testing. Allele origin: germline. Affected: yes.
Comment: This variant is associated with the following publications: (PMID: 27050224, 29522511)

Illumina Laboratory Services, Illumina
Classification: Benign for LEOPARD syndrome 2. Last evaluated: 2018-01-13. Review status: criteria provided, single submitter. Criteria: ICSL Variant Classification Criteria 13 December 2019. Collection method: clinical testing. Allele origin: germline.
Comment: This variant was observed in the ICSL laboratory as part of a predisposition screen in an ostensibly healthy population. It had not been previously curated by ICSL or reported in the Human Gene Mutation Database (HGMD: prior to June 1st, 2018), and was therefore a candidate for classification through an automated scoring system. Utilizing variant allele frequency, disease prevalence and penetrance estimates, and inheritance mode, an automated score was calculated to assess if this variant is too frequent to cause the disease. Based on the score and internal cut-off values, a variant classified as benign is not then subjected to further curation. The score for this variant resulted in a classification of benign for this disease.

Illumina Laboratory Services, Illumina
Classification: Uncertain significance for Noonan syndrome 5. Last evaluated: 2018-01-13. Review status: criteria provided, single submitter. Criteria: ICSL Variant Classification Criteria 13 December 2019. Collection method: clinical testing. Allele origin: germline.

Molecular Diagnostic Laboratory for Inherited Cardiovascular Disease, Montreal Heart Institute
Classification: Uncertain significance for Primary familial hypertrophic cardiomyopathy. Last evaluated: 2016-08-08. Review status: criteria provided, single submitter. Criteria: ACMG Guidelines, 2015. Collection method: clinical testing. Allele origin: germline. Affected: yes.

Laboratory for Molecular Medicine, Mass General Brigham Personalized Medicine
Classification: Uncertain significance. Last evaluated: 2016-07-01. Review status: criteria provided, single submitter. Criteria: LMM Criteria. Collection method: clinical testing. Allele origin: germline. Observed: 6 variant alleles.
Comment: Variant classified as Uncertain Significance - Favor Benign. The p.Tyr574Cys var iant in RAF1 has been identified by our laboratory in 3 individuals with clinica l features of Noonan syndrome and in two of these cases it was inherited from a parent. This variant has been identified in 20/66732 European chromosomes by the Exome Aggregation Consortium (ExAC; dbSNP rs3702 42565). Computational prediction tools and conservation analysis do not provide strong support for or against an impact to the protein. In summary, while the cl inical significance of the p.Tyr574Cys variant is uncertain, these data suggest that it is more likely to be benign.

PreventionGenetics, part of Exact Sciences
Classification: Likely benign for RAF1-related condition. Last evaluated: 2020-04-03. Review status: no assertion criteria provided. Collection method: clinical testing. Allele origin: germline. Not counted in ClinVar's aggregate classification.
Comment: This variant is classified as likely benign based on ACMG/AMP sequence variant interpretation guidelines (Richards et al. 2015 PMID: 25741868, with internal and published modifications).

Literature cited by the submitters: PubMed 26580448 (cited by Women's Health and Genetics/Laboratory Corporation of America, LabCorp); PubMed 37216690 (cited by Women's Health and Genetics/Laboratory Corporation of America, LabCorp); PubMed 36095024 (cited by Women's Health and Genetics/Laboratory Corporation of America, LabCorp); PubMed 29522511 (cited by Ambry Genetics); PubMed 34935411 (cited by Ambry Genetics); PubMed 35026164 (cited by Ambry Genetics); PubMed 17603482 (cited by Victorian Clinical Genetics Services, Murdoch Childrens Research Institute); PubMed 17603483 (cited by Victorian Clinical Genetics Services, Murdoch Childrens Research Institute); PubMed 29493581 (cited by Victorian Clinical Genetics Services, Murdoch Childrens Research Institute).